The following is an entry in ClinVar:

ClinVar aggregate classification (germline): Uncertain significance (1 of 4 stars; one submission).

gnomAD v4.1: 6 of 1,612,900 alleles (0.00037%); highest among the groups gnomAD compares: Non-Finnish European, 0.00051%; no homozygotes.

Submission:

Labcorp Genetics (formerly Invitae), Labcorp
Classification: Uncertain significance. Last evaluated: 2025-08-30. Review status: criteria provided, single submitter. Criteria: Invitae Variant Classification Sherloc (09022015). Collection method: clinical testing. Allele origin: germline.
Comment: This sequence change replaces leucine, which is neutral and non-polar, with valine, which is neutral and non-polar, at codon 1081 of the ITGAM protein (p.Leu1081Val). This variant is present in population databases (no rsID available, gnomAD 0.0009%). This variant has not been reported in the literature in individuals affected with ITGAM-related conditions. ClinVar contains an entry for this variant (Variation ID: 1719572). An algorithm developed to predict the effect of missense changes on protein structure and function outputs the following: PolyPhen-2: "Benign". The valine amino acid residue is found in multiple mammalian species, which suggests that this missense change does not adversely affect protein function. In summary, the available evidence is currently insufficient to determine the role of this variant in disease. Therefore, it has been classified as a Variant of Uncertain Significance.

NM_000632.4(ITGAM):c.3241C>G (p.Leu1081Val)

Gene: ITGAM (integrin subunit alpha M; plus strand). Cytogenetic location: 16p11.2.
Variant type: single nucleotide variant.
Coding change: c.3241C>G on transcript NM_000632.4 (MANE Select); coding-DNA position 3241, C replaced by G.
Protein change: p.Leu1081Val; replaces leucine 1081 with valine.
Molecular consequence: missense variant.
Genome position (GRCh38, 1-based): chr16:31,330,570, C>G. VCF-style: chr16-31330570-C-G. GRCh37 (hg19) VCF-style: chr16-31341891-C-G.
Other names: c.3244C>G, p.Leu1082Val (NM_001145808.2); short protein forms L1081V, L1082V.
Identifiers: ClinVar variation 1719572 (VCV001719572.5), dbSNP rs375820016, ClinGen allele CA395704749.